The following is an entry in ClinVar:

NM_001376256.1(CRYM):c.523_524delinsTT (p.Glu175Leu)

Gene: CRYM (crystallin mu; minus strand). Cytogenetic location: 16p12.2.
Variant type: Indel.
Coding change: c.523_524delinsTT on transcript NM_001376256.1 (MANE Select); coding-DNA positions 523 to 524, GA replaced by TT.
Protein change: p.Glu175Leu; replaces glutamic acid 175 with leucine.
Molecular consequence: missense variant.
Genome position (GRCh38, 1-based): chr16:21,267,703-21,267,704, TC replaced by AA on the plus strand (GA replaced by TT on the coding strand, the reverse complement: CRYM is on the minus strand). VCF-style: chr16-21267703-TC-AA. GRCh37 (hg19) VCF-style: chr16-21279024-TC-AA.
Other names: c.523_524delinsTT (NM_001888.4); c.523_524delinsTT, p.Glu175Leu (NM_001888.5); short protein forms E175L.
Identifiers: ClinVar variation 179644 (VCV000179644.17), dbSNP rs386789728, ClinGen allele CA184830.

ClinVar aggregate classification (germline): Conflicting classifications of pathogenicity. Review status: criteria provided, conflicting classifications (1 of 4 stars). 4 submissions from 4 submitters: Uncertain significance (1); Benign (1); Likely benign (2). Last evaluated 2026-01-30.

Submissions (4):

Labcorp Genetics (formerly Invitae), Labcorp
Classification: Uncertain significance. Last evaluated: 2026-01-30. Review status: criteria provided, single submitter. Criteria: Invitae Variant Classification Sherloc (09022015). Collection method: clinical testing. Allele origin: germline.
Comment: This variant, c.523_524delinsTT, is a complex sequence change that results in the deletion of glutamic acid and insertion of leucine amino acid(s) in the CRYM protein (p.Glu175Leu). This variant is present in population databases (rs386789728, gnomAD 0.06%), and has an allele count higher than expected for a pathogenic variant. This variant has not been reported in the literature in individuals affected with CRYM-related conditions. ClinVar contains an entry for this variant (Variation ID: 179644). An algorithm developed to predict the effect of missense changes on protein structure and function (PolyPhen-2) suggests that this variant is likely to be tolerated. In summary, the available evidence is currently insufficient to determine the role of this variant in disease. Therefore, it has been classified as a Variant of Uncertain Significance.

GeneDx
Classification: Benign. Last evaluated: 2019-07-08. Review status: criteria provided, single submitter. Criteria: GeneDx Variant Classification Process June 2021. Collection method: clinical testing. Allele origin: germline. Affected: yes.
Comment: In silico analysis, which includes protein predictors and evolutionary conservation, supports a deleterious effect; Has not been previously published as pathogenic or benign to our knowledge

Eurofins Ntd Llc (ga)
Classification: Likely benign. Last evaluated: 2018-03-07. Review status: criteria provided, single submitter. Criteria: EGL ClinVar v180209 classification definitions. Collection method: clinical testing. Allele origin: germline. Observed: 2 variant alleles, 2 heterozygotes.

Laboratory for Molecular Medicine, Mass General Brigham Personalized Medicine
Classification: Likely benign. Last evaluated: 2014-04-28. Review status: criteria provided, single submitter. Criteria: LMM Criteria. Collection method: clinical testing. Allele origin: germline. Observed: 1 variant allele.
Comment: Glu175Leu variant in exon 7 of CRYM: This variant is not expected to have clini cal significance because it has been identified in 0.43% (19/4398) African Ameri can chromosomes by the NHLBI Exome Sequening Project (du).